The following is an entry in ClinVar:

ClinVar aggregate classification (germline): Likely benign. Review status: criteria provided, single submitter (1 of 4 stars). 2 submissions from 2 submitters: Likely benign (1). 1 of the submissions does not count toward it. Last evaluated 2025-10-06.

Conditions:
ANXA11-related disorder. Also called: ANXA11-related condition.

Allele frequency attached by ClinVar (database versions not stated): gnomAD exomes 0.00002; ExAC 0.00004.
gnomAD v4.1: 43 of 1,610,840 alleles (0.0027%); highest among the groups gnomAD compares: Middle Eastern, 0.034%; no homozygotes.

Submissions (2):

Labcorp Genetics (formerly Invitae), Labcorp
Classification: Likely benign. Last evaluated: 2025-10-06. Review status: criteria provided, single submitter. Criteria: Invitae Variant Classification Sherloc (09022015). Collection method: clinical testing. Allele origin: germline.

PreventionGenetics, part of Exact Sciences
Classification: Likely benign for ANXA11-related condition. Last evaluated: 2024-08-15. Review status: no assertion criteria provided. Collection method: clinical testing. Allele origin: germline. Not counted in ClinVar's aggregate classification.
Comment: This variant is classified as likely benign based on ACMG/AMP sequence variant interpretation guidelines (Richards et al. 2015 PMID: 25741868, with internal and published modifications).

NM_145868.2(ANXA11):c.222C>T (p.Tyr74=)

Gene: ANXA11 (annexin A11; minus strand). Cytogenetic location: 10q22.3.
Variant type: single nucleotide variant.
Coding change: c.222C>T on transcript NM_145868.2 (MANE Select); coding-DNA position 222, C replaced by T.
Protein change: p.Tyr74=; no amino-acid change (tyrosine 74 retained).
Molecular consequence: synonymous variant.
Genome position (GRCh38, 1-based): chr10:80,169,308, G>A on the plus strand (C>T on the coding strand, the complement: ANXA11 is on the minus strand). VCF-style: chr10-80169308-G-A. GRCh37 (hg19) VCF-style: chr10-81929064-G-A.
Other names: c.222C>T, p.Tyr74= (NM_001157.3, NM_001278407.2, NM_001278408.2 and 1 more transcripts); c.123C>T, p.Tyr41= (NM_001278409.2); c.222C>T (NM_145869.1).
Identifiers: ClinVar variation 2175919 (VCV002175919.5), dbSNP rs201350605, ClinGen allele CA5576338.